The following is an entry in ClinVar:

ClinVar aggregate classification (germline): Uncertain significance (1 of 4 stars; one submission).

Allele frequency attached by ClinVar (database versions not stated): gnomAD exomes below 0.00001.
gnomAD v4.1: 2 of 1,614,042 alleles (0.00012%); highest among the groups gnomAD compares: South Asian, 0.0011%; no homozygotes.

Submission:

GeneDx
Classification: Uncertain significance. Last evaluated: 2026-08-20. Review status: criteria provided, single submitter. Criteria: GeneDx Variant Classification Process June 2021. Collection method: clinical testing. Allele origin: germline.
Comment: Not observed at significant frequency in large population cohorts (gnomAD); In silico analysis supports that this missense variant has a deleterious effect on protein structure/function; This substitution is predicted to be within the N-terminal cytoplasmic domain; Has not been previously published as pathogenic or benign to our knowledge

NM_001330260.2(SCN8A):c.208G>A (p.Gly70Arg)

Genes: SCN8A (sodium voltage-gated channel alpha subunit 8; plus strand), LOC114803470 (SCN8A eExon liver enhancer; plus strand). Cytogenetic location: 12q13.13.
Variant type: single nucleotide variant.
Coding change: c.208G>A on transcript NM_001330260.2 (MANE Select); coding-DNA position 208, G replaced by A.
Protein change: p.Gly70Arg; replaces glycine 70 with arginine.
Molecular consequence: missense variant.
Genome position (GRCh38, 1-based): chr12:51,663,025, G>A. VCF-style: chr12-51663025-G-A. GRCh37 (hg19) VCF-style: chr12-52056809-G-A.
Other names: c.208G>A, p.Gly70Arg (NM_001177984.3, NM_001369788.1, NM_014191.4); short protein forms G70R.
Identifiers: ClinVar variation 452224 (VCV000452224.3), dbSNP rs1313776714, ClinGen allele CA385228318.